The following is an entry in ClinVar:

ClinVar aggregate classification (germline): Pathogenic/Likely pathogenic. Review status: criteria provided, multiple submitters, no conflicts (2 of 4 stars). 3 submissions from 3 submitters: Pathogenic (1); Likely pathogenic (2). Last evaluated 2024-06-17.

Conditions:
Oculocutaneous albinism type 1A (OCA1A). Also called: Albinism, oculocutaneous, type IA. Identifiers: Orphanet 352731, Orphanet 79431, MedGen C4551504, MONDO:0008745, OMIM 203100. Disease mechanism: loss of function.
Oculocutaneous albinism type 1B (OCA1B). Also called: YELLOW ALBINISM; ALBINISM, OCULOCUTANEOUS, TYPE IB; ALBINISM, YELLOW MUTANT TYPE. Identifiers: Orphanet 352731, Orphanet 352737, Orphanet 79434, MedGen C1847024, MONDO:0011749, OMIM 606952.
SKIN/HAIR/EYE PIGMENTATION 3, LIGHT/DARK SKIN (SHEP3). Also called: SKIN/HAIR/EYE PIGMENTATION 3, BLUE/GREEN EYE COLOR; SKIN/HAIR/EYE PIGMENTATION 3, FRECKLING; SKIN/HAIR/EYE PIGMENTATION, VARIATION IN, 3; EYE COLOR 1; EYE COLOR, GREEN/BLUE. Identifiers: MedGen C2677190, OMIM 601800.
TYR-related disorder. Also called: TYR-related condition.

Allele frequency attached by ClinVar (database versions not stated): ExAC 0.00001; gnomAD exomes 0.00001.
gnomAD v4.1: 4 of 1,614,184 alleles (0.00025%); highest among the groups gnomAD compares: Non-Finnish European, 0.00034%; no homozygotes.

Submissions (3):

Blueprint Genetics
Classification: Likely pathogenic for TYR-related disorders. Last evaluated: 2024-06-17. Review status: criteria provided, single submitter. Criteria: ACMG Guidelines, 2015. Collection method: clinical testing. Allele origin: germline. Affected: yes. Observed: 1 variant allele.

Fulgent Genetics
Classification: Likely pathogenic for Oculocutaneous albinism type 1A; SKIN/HAIR/EYE PIGMENTATION 3, LIGHT/DARK SKIN; Oculocutaneous albinism type 1B. Last evaluated: 2024-02-28. Review status: criteria provided, single submitter. Criteria: ACMG Guidelines, 2015. Collection method: clinical testing. Allele origin: germline.

Labcorp Genetics (formerly Invitae), Labcorp
Classification: Pathogenic. Last evaluated: 2021-08-04. Review status: criteria provided, single submitter. Criteria: Invitae Variant Classification Sherloc (09022015). Collection method: clinical testing. Allele origin: germline.
Comment: This sequence change replaces histidine with glutamine at codon 202 of the TYR protein (p.His202Gln). The histidine residue is highly conserved and there is a small physicochemical difference between histidine and glutamine. This variant is present in population databases (rs754661359, ExAC 0.001%). This missense change has been observed in individuals with TYR-related conditions and/or albinism (PMID: 20861488, 25216246, 27734839). Advanced modeling of protein sequence and biophysical properties (such as structural, functional, and spatial information, amino acid conservation, physicochemical variation, residue mobility, and thermodynamic stability) performed at Invitae indicates that this missense variant is expected to disrupt TYR protein function. Algorithms developed to predict the effect of sequence changes on RNA splicing suggest that this variant may create or strengthen a splice site. For these reasons, this variant has been classified as Pathogenic.

Literature cited by the submitters: PubMed 20861488 (cited by Labcorp Genetics (formerly Invitae), Labcorp); PubMed 25216246 (cited by Labcorp Genetics (formerly Invitae), Labcorp); PubMed 27734839 (cited by Labcorp Genetics (formerly Invitae), Labcorp).

NM_000372.5(TYR):c.606T>G (p.His202Gln)

Gene: TYR (tyrosinase; plus strand). Cytogenetic location: 11q14.3.
Variant type: single nucleotide variant.
Coding change: c.606T>G on transcript NM_000372.5 (MANE Select); coding-DNA position 606, T replaced by G.
Protein change: p.His202Gln; replaces histidine 202 with glutamine.
Molecular consequence: missense variant.
Genome position (GRCh38, 1-based): chr11:89,178,559, T>G. VCF-style: chr11-89178559-T-G. GRCh37 (hg19) VCF-style: chr11-88911727-T-G.
Other names: short protein forms H202Q.
Identifiers: ClinVar variation 1458819 (VCV001458819.8), dbSNP rs754661359, ClinGen allele CA6221152.